The following is an entry in ClinVar:

NC_000010.10:g.(?_55581608)_(55626627_?)del

Gene: PCDH15 (protocadherin related 15; minus strand). Cytogenetic location: 10q21.1.
Variant type: Deletion.
Identifiers: ClinVar variation 1456073 (VCV001456073.6).

ClinVar aggregate classification (germline): Pathogenic (1 of 4 stars; one submission).

Submission:

Labcorp Genetics (formerly Invitae), Labcorp
Classification: Pathogenic. Last evaluated: 2021-04-05. Review status: criteria provided, single submitter. Criteria: Invitae Variant Classification Sherloc (09022015). Collection method: clinical testing. Allele origin: germline.
Comment: For these reasons, this variant has been classified as Pathogenic. This variant disrupts the C-terminus of the PCDH15 protein. Other variant(s) that disrupt this region (p.Gln1576*) have been determined to be pathogenic (PMID: 28281779). This suggests that variants that disrupt this region of the protein are likely to be causative of disease. This variant has not been reported in the literature in individuals with PCDH15-related conditions. This variant is a gross deletion of the genomic region encompassing exon(s) 27-33 of the PCDH15 gene. The 5' boundary is likely confined to intron 26. The 3' end of this event is unknown as it extends through the termination codon beyond the assayed region for this gene and may encompass additional genes. While this deletion is not anticipated to lead to nonsense mediated decay, it is expected to alter mRNA translation or result in a truncated protein product.

Literature cited by the submitters: PubMed 28281779.